The following is an entry in ClinVar:

NM_001256864.2(DNAJC6):c.1607A>G (p.Lys536Arg)

Gene: DNAJC6 (DnaJ heat shock protein family (Hsp40) member C6; plus strand). Cytogenetic location: 1p31.3.
Variant type: single nucleotide variant.
Coding change: c.1607A>G on transcript NM_001256864.2 (MANE Select); coding-DNA position 1607, A replaced by G.
Protein change: p.Lys536Arg; replaces lysine 536 with arginine.
Molecular consequence: missense variant.
Genome position (GRCh38, 1-based): chr1:65,392,569, A>G. VCF-style: chr1-65392569-A-G. GRCh37 (hg19) VCF-style: chr1-65858252-A-G.
Other names: c.1436A>G (NM_014787.2); c.1397A>G, p.Lys466Arg (NM_001256865.2); c.1436A>G, p.Lys479Arg (NM_014787.4); short protein forms K479R, K536R, K466R.
Identifiers: ClinVar variation 1379214 (VCV001379214.9), dbSNP rs376992397, ClinGen allele CA893961.
Genomic context (GRCh38, chr1:65,392,569, plus strand): 5'-AACTTCTGACACTTTCCAGTCCGCATGGCAATGCCAATGGTGACAAGCCTCATGGAGTCA[A>G]GAAGCCCAGCAAAAAGCAGCAGGAGCCAGCAGCCCCTCCACCCCCTGAGGATGTGGACCT-3'
Protein context (NP_001243793.1, residues 526-546): NANGDKPHGV[Lys536Arg]KPSKKQQEPA

ClinVar aggregate classification (germline): Uncertain significance. Review status: criteria provided, multiple submitters, no conflicts (2 of 4 stars). 2 submissions from 2 submitters: Uncertain significance (2). Last evaluated 2024-11-13.

Conditions:
Inborn genetic diseases. Identifiers: MedGen C0950123, MeSH D030342.
Juvenile onset Parkinson disease 19A. Also called: PARK19; DNAJC6 Parkinson Disease. Identifiers: Orphanet 391411, MedGen C3809811, MONDO:0014231, OMIM 615528.

Allele frequency attached by ClinVar (database versions not stated): ExAC 0.00002; gnomAD exomes 0.00002 and 0.00005; TOPMed 0.00004; gnomAD 0.00005 and 0.00006; ESP Exome Variant Server 0.00008.
gnomAD v4.1: 81 of 1,614,016 alleles (0.005%); highest among the groups gnomAD compares: Non-Finnish European, 0.0059%; no homozygotes.

Submissions (2):

Ambry Genetics
Classification: Uncertain significance for Inborn genetic diseases. Last evaluated: 2024-11-13. Review status: criteria provided, single submitter. Criteria: Ambry Variant Classification Scheme 2023. Collection method: clinical testing. Allele origin: germline.

Labcorp Genetics (formerly Invitae), Labcorp
Classification: Uncertain significance for Juvenile onset Parkinson disease 19A. Last evaluated: 2022-03-20. Review status: criteria provided, single submitter. Criteria: Invitae Variant Classification Sherloc (09022015). Collection method: clinical testing. Allele origin: germline.
Comment: This sequence change replaces lysine, which is basic and polar, with arginine, which is basic and polar, at codon 536 of the DNAJC6 protein (p.Lys536Arg). This variant is present in population databases (rs376992397, gnomAD 0.005%). In summary, the available evidence is currently insufficient to determine the role of this variant in disease. Therefore, it has been classified as a Variant of Uncertain Significance. Algorithms developed to predict the effect of missense changes on protein structure and function output the following: SIFT: "Tolerated"; PolyPhen-2: "Benign"; Align-GVGD: "Class C0". The arginine amino acid residue is found in multiple mammalian species, which suggests that this missense change does not adversely affect protein function. This variant has not been reported in the literature in individuals affected with DNAJC6-related conditions.